The following is an entry in ClinVar:

ClinVar aggregate classification (germline): Conflicting classifications of pathogenicity. Review status: criteria provided, conflicting classifications (1 of 4 stars). 4 submissions from 4 submitters: Uncertain significance (1); Likely benign (2). 1 of the submissions does not count toward it. Last evaluated 2025-02-13.

Conditions:
Neuroblastoma, susceptibility to, 3. Also called: ALK-Related Neuroblastic Tumor Susceptibility. Identifiers: Orphanet 635, MedGen C2751681, MONDO:0013083, OMIM 613014.
ALK-related disorder. Also called: ALK-related condition.
Hereditary cancer-predisposing syndrome. Also called: Neoplastic Syndromes, Hereditary; Hereditary Cancer Syndrome; Tumor predisposition; Hereditary neoplastic syndrome. Identifiers: Orphanet 140162, MedGen C0027672, MeSH D009386, MONDO:0015356.

Allele frequency attached by ClinVar (database versions not stated): gnomAD exomes 0.00001 and 0.00002; TOPMed 0.00001; gnomAD 0.00002; ExAC 0.00004; 1000 Genomes Project 30x 0.00016; 1000 Genomes Project 0.00020.
gnomAD v4.1: 18 of 1,614,044 alleles (0.0011%); highest among the groups gnomAD compares: South Asian, 0.012%; no homozygotes.

Submissions (4):

Labcorp Genetics (formerly Invitae), Labcorp
Classification: Likely benign for Neuroblastoma, susceptibility to, 3. Last evaluated: 2025-02-13. Review status: criteria provided, single submitter. Criteria: Invitae Variant Classification Sherloc (09022015). Collection method: clinical testing. Allele origin: germline.

Ambry Genetics
Classification: Uncertain significance for Hereditary cancer-predisposing syndrome. Last evaluated: 2025-01-02. Review status: criteria provided, single submitter. Criteria: Ambry Variant Classification Scheme 2023. Collection method: clinical testing. Allele origin: germline.
Comment: The c.2895G>A variant (also known as p.L965L), located in coding exon 17 of the ALK gene, results from a G to A substitution at nucleotide position 2895. This nucleotide substitution does not change the amino acid at codon 965. This nucleotide position is not well conserved in available vertebrate species. In silico splice site analysis predicts that this alteration may weaken the native splice donor site. Based on the available evidence, the clinical significance of this variant remains unclear.

Blueprint Genetics
Classification: Likely benign. Last evaluated: 2023-02-03. Review status: criteria provided, single submitter. Criteria: ACMG Guidelines, 2015. Collection method: clinical testing. Allele origin: germline.

PreventionGenetics, part of Exact Sciences
Classification: Likely benign for ALK-related condition. Last evaluated: 2022-05-13. Review status: no assertion criteria provided. Collection method: clinical testing. Allele origin: germline. Not counted in ClinVar's aggregate classification.
Comment: This variant is classified as likely benign based on ACMG/AMP sequence variant interpretation guidelines (Richards et al. 2015 PMID: 25741868, with internal and published modifications).

NM_004304.5(ALK):c.2895G>A (p.Leu965=)

Gene: ALK (ALK receptor tyrosine kinase; minus strand). Cytogenetic location: 2p23.2.
Variant type: single nucleotide variant.
Coding change: c.2895G>A on transcript NM_004304.5 (MANE Select); coding-DNA position 2895, G replaced by A.
Protein change: p.Leu965=; no amino-acid change (leucine 965 retained).
Molecular consequence: synonymous variant.
Genome position (GRCh38, 1-based): chr2:29,227,593, C>T on the plus strand (G>A on the coding strand, the complement: ALK is on the minus strand). VCF-style: chr2-29227593-C-T. GRCh37 (hg19) VCF-style: chr2-29450459-C-T.
Other names: c.2895G>A (NM_004304.4).
Identifiers: ClinVar variation 1538745 (VCV001538745.12), dbSNP rs528928041, ClinGen allele CA1594152.
Genomic context (GRCh38, chr2:29,227,593, plus strand): 5'-GACCTAAGCAAGTTTGTTCTGCTGCCTGGCAGAGAAGCTACCTTTTAAAGCTGGGGTGTA[C>T]AGGATGCCCAGTGGACTGATGAAGGAAACCCCATCTTCCCCATCCATTTCGGGGTCATTG-3'
Protein context (NP_004295.2, residues 955-975): GVSFISPLGI[Leu965=]YTPALKVMEG